The following is an entry in ClinVar:

NM_198253.3(TERT):c.2398G>A (p.Glu800Lys)

Gene: TERT (telomerase reverse transcriptase; minus strand). Cytogenetic location: 5p15.33.
Variant type: single nucleotide variant.
Coding change: c.2398G>A on transcript NM_198253.3 (MANE Select); coding-DNA position 2398, G replaced by A.
Protein change: p.Glu800Lys; replaces glutamic acid 800 with lysine.
Molecular consequence: missense variant.
Genome position (GRCh38, 1-based): chr5:1,271,189, C>T on the plus strand (G>A on the coding strand, the complement: TERT is on the minus strand). VCF-style: chr5-1271189-C-T. GRCh37 (hg19) VCF-style: chr5-1271304-C-T.
Other names: p.Glu800Lys; c.2398G>A, p.Glu800Lys (NM_001193376.3); short protein forms E800K.
Identifiers: ClinVar variation 1695952 (VCV001695952.6), dbSNP rs2478200793, ClinGen allele CA359075835.

ClinVar aggregate classification (germline): Uncertain significance. Review status: criteria provided, multiple submitters, no conflicts (2 of 4 stars). 3 submissions from 3 submitters: Uncertain significance (2). 1 of the submissions does not count toward it. Last evaluated 2022-11-19.

Conditions:
Pulmonary fibrosis. Identifiers: MedGen C0034069, MONDO:0002771, HP:0002206.
Dyskeratosis congenita, autosomal dominant 2. Identifiers: MedGen C3151443, MONDO:0013521, OMIM 613989.
Idiopathic Pulmonary Fibrosis. Also called: Idiopathic fibrosing alveolitis, chronic form; idiopathic fibrosing alveolitis. Identifiers: Orphanet 2032, MedGen C1800706, MeSH D054990, MONDO:0800504.
Pulmonary fibrosis and/or bone marrow failure, Telomere-related, 1. Also called: PULMONARY FIBROSIS AND/OR BONE MARROW FAILURE SYNDROME, TELOMERE-RELATED, 1. Identifiers: Orphanet 88, MedGen C3553617, MONDO:0013878, OMIM 614742.

Allele frequency attached by ClinVar (database versions not stated): gnomAD exomes below 0.00001.
gnomAD v4.1: 1 of 1,613,172 alleles (0.000062%); highest among the groups gnomAD compares: Non-Finnish European, 0.000085%; no homozygotes.

Submissions (3):

Labcorp Genetics (formerly Invitae), Labcorp
Classification: Uncertain significance for Dyskeratosis congenita, autosomal dominant 2; Idiopathic Pulmonary Fibrosis. Last evaluated: 2022-11-19. Review status: criteria provided, single submitter. Criteria: Invitae Variant Classification Sherloc (09022015). Collection method: clinical testing. Allele origin: germline.
Comment: This sequence change replaces glutamic acid, which is acidic and polar, with lysine, which is basic and polar, at codon 800 of the TERT protein (p.Glu800Lys). This variant is not present in population databases (gnomAD no frequency). This variant has not been reported in the literature in individuals affected with TERT-related conditions. Advanced modeling of protein sequence and biophysical properties (such as structural, functional, and spatial information, amino acid conservation, physicochemical variation, residue mobility, and thermodynamic stability) performed at Invitae indicates that this missense variant is expected to disrupt TERT protein function. In summary, the available evidence is currently insufficient to determine the role of this variant in disease. Therefore, it has been classified as a Variant of Uncertain Significance.

Division Of Personalized Genomic Medicine, Columbia University Irving Medical Center
Classification: Uncertain significance for Pulmonary fibrosis and/or bone marrow failure, Telomere-related, 1. Last evaluated: 2021-04-12. Review status: criteria provided, single submitter. Criteria: ACMG Guidelines, 2015. Collection method: clinical testing. Allele origin: germline. Inheritance: Autosomal dominant inheritance. Affected: yes. Observed: 1 heterozygote.
Comment: The c. 2398G>A variant in the TERT gene is a heterozygous missense variant, which results in the substitution of the highly conserved glutamate residue at the 800 position to lysine (p.Glu800Lys). This variant localizes to coding exon 8 of the gene (16 exons total; NM_198253.3) and is within the reverse transcriptase domain of the protein. Predictions of the effect of this variant on protein structure and/or function based on in-silico analyses are inconsistent. This variant is absent in the Genome Aggregation Database (gnomAD), indicating it is not a common benign variant in the populations represented in this database. To the best of our knowledge, this specific variant has not been described in the literature or any human disease variant databases to be associated with disease.

Garcia Pulmonary Genetics Research Laboratory, Columbia University Irving Medical Center
Classification: Likely risk allele for Pulmonary fibrosis. Last evaluated: 2022-06-09. Review status: no assertion criteria provided. Collection method: research. Allele origin: germline. Affected: yes. Not counted in ClinVar's aggregate classification.